The following is an entry in ClinVar:

NM_138711.6(PPARG):c.401G>A (p.Arg134Gln)

Gene: PPARG (peroxisome proliferator activated receptor gamma; plus strand). Cytogenetic location: 3p25.2.
Variant type: single nucleotide variant.
Coding change: c.401G>A on transcript NM_138711.6 (MANE Select); coding-DNA position 401, G replaced by A.
Protein change: p.Arg134Gln; replaces arginine 134 with glutamine.
Molecular consequence: missense variant. On other transcripts: 5 prime UTR variant (1).
Genome position (GRCh38, 1-based): chr3:12,392,624, G>A. VCF-style: chr3-12392624-G-A. GRCh37 (hg19) VCF-style: chr3-12434123-G-A.
Other names: c.401G>A, p.Arg134Gln (NM_001330615.4, NM_001354666.3, NM_001354667.3 and 6 more transcripts); c.491G>A, p.Arg164Gln (NM_001354668.2, NM_001374265.1, NM_015869.5); c.-27G>A (NM_001354669.2); c.407G>A, p.Arg136Gln (NM_001354670.2, NM_001374266.1); short protein forms R164Q, R134Q, R136Q.
Identifiers: ClinVar variation 4990456 (VCV004990456.1).
Genomic context (GRCh38, chr3:12,392,624, plus strand): 5'-TCCATGTGTCATAAAGACTTAAAATTTGCTTCTTTTTTATCCCTTTGCAGGGTTTCTTCC[G>A]GAGAACAATCAGATTGAAGCTTATCTATGACAGATGTGATCTTAACTGTCGGATCCACAA-3'
Protein context (NP_619725.3, residues 124-144): HACEGCKGFF[Arg134Gln]RTIRLKLIYD

ClinVar aggregate classification (germline): Uncertain significance (1 of 4 stars; one submission).

Conditions:
PPARG-related disorder. Also called: PPARG-related disorders; PPARG-related condition.

gnomAD v4.1: 1 of 1,613,720 alleles (0.000062%); highest among the groups gnomAD compares: Non-Finnish European, 0.000085%; no homozygotes.

Submission:

PreventionGenetics, part of Exact Sciences
Classification: Uncertain significance for PPARG-related condition. Last evaluated: 2024-10-08. Review status: criteria provided, single submitter. Criteria: ACMG Guidelines, 2015. Collection method: clinical testing. Allele origin: germline.
Comment: The PPARG c.491G>A variant is predicted to result in the amino acid substitution p.Arg164Gln. To our knowledge, this variant has not been reported in the literature or in a large population database (gnomAD), indicating this variant is rare. At this time, the clinical significance of this variant is uncertain due to the absence of conclusive functional and genetic evidence.